The following is an entry in ClinVar:

GRCh38/hg38 6q27(chr6:169641704-170612001)x1

Genes: C6orf120 (chromosome 6 open reading frame 120; plus strand), DLL1 (delta like canonical Notch ligand 1; minus strand), DYNLT2 (dynein light chain Tctex-type 2; minus strand), ERMARD (ER membrane associated RNA degradation; plus strand), FAM120B (family with sequence similarity 120 member B; plus strand) and 34 more. Cytogenetic location: 6q27.
Variant type: copy number loss.
Change: copy number 1 (one copy instead of two) of chr6:169,641,704-170,612,001 (970.3 kb, GRCh38 coordinates, 1-based), cytogenetic band 6q27.
Identifiers: ClinVar variation 57508 (VCV000057508.1).

ClinVar aggregate classification (germline): Pathogenic (1 of 4 stars; one submission).

Submission:

ISCA site 4
Classification: Pathogenic. Last evaluated: 2011-08-12. Review status: criteria provided, single submitter. Criteria: Kaminsky et al. (Genet Med. 2011). Collection method: clinical testing. Allele origin: unknown. Affected: yes. Observed: 1 variant allele.
Comment: Copy number variation identified through the course of routine clinical cytogenomic testing in postnatal populations. Clinical assertions have been curated as described in Kaminsky et al. 2011.